The following is an entry in ClinVar:

NM_024675.4(PALB2):c.2578G>T (p.Glu860Ter)

Gene: PALB2 (partner and localizer of BRCA2; minus strand). Cytogenetic location: 16p12.2.
Variant type: single nucleotide variant.
Coding change: c.2578G>T on transcript NM_024675.4 (MANE Select); coding-DNA position 2578, G replaced by T.
Protein change: p.Glu860Ter; replaces glutamic acid 860 with a stop codon.
Molecular consequence: nonsense.
Genome position (GRCh38, 1-based): chr16:23,629,212, C>A on the plus strand (G>T on the coding strand, the complement: PALB2 is on the minus strand). VCF-style: chr16-23629212-C-A. GRCh37 (hg19) VCF-style: chr16-23640533-C-A.
Other names: c.2518G>T, p.Glu840Ter (NM_001407296.1); c.2578G>T, p.Glu860Ter (NM_001407298.1, NM_001407299.1, NM_001407300.1 and 2 more transcripts); c.1693G>T, p.Glu565Ter (NM_001407311.1, NM_001407304.1, NM_001407305.1 and 5 more transcripts); c.790G>T, p.Glu264Ter (NM_001407312.1, NM_001407313.1); c.112G>T, p.Glu38Ter (NM_001407314.1); short protein forms E38*, E264*, E565*, E840*, E860*.
Identifiers: ClinVar variation 2062838 (VCV002062838.7), dbSNP rs1966853670, ClinGen allele CA395123667.
Genomic context (GRCh38, chr16:23,629,212, plus strand): 5'-TAAAGTTTTCATATGTAAGACACGAGACACTGGAAGAGAATATTCTTCTGACCTTTAACT[C>A]TGAAACCAATTGTAGGTTGCCTGGGTTTATGCTATCAGAAGCAGGAAGCTCTGCTGTTTC-3'

ClinVar aggregate classification (germline): Pathogenic. Review status: criteria provided, multiple submitters, no conflicts (2 of 4 stars). 2 submissions from 2 submitters: Pathogenic (2). Last evaluated 2023-09-08.

Conditions:
Hereditary cancer-predisposing syndrome. Also called: Hereditary neoplastic syndrome; Neoplastic Syndromes, Hereditary; Hereditary Cancer Syndrome; Tumor predisposition. Identifiers: Orphanet 140162, MedGen C0027672, MeSH D009386, MONDO:0015356.
Familial cancer of breast. Also called: BREAST CANCER, FAMILIAL; Hereditary breast cancer; hereditary breast carcinoma. Identifiers: Orphanet 227535, MedGen C0346153, MONDO:0016419, OMIM 114480. Disease mechanism: loss of function.

Submissions (3):

Ambry Genetics
Classification: Pathogenic for Hereditary cancer-predisposing syndrome. Last evaluated: 2023-09-08. Review status: criteria provided, single submitter. Criteria: Ambry Variant Classification Scheme 2023. Collection method: clinical testing. Allele origin: germline.
Comment: The p.E860* pathogenic mutation (also known as c.2578G>T), located in coding exon 6 of the PALB2 gene, results from a G to T substitution at nucleotide position 2578. This changes the amino acid from a glutamic acid to a stop codon within coding exon 6. This alteration is expected to result in loss of function by premature protein truncation or nonsense-mediated mRNA decay. In addition, this variant is considered to be rare based on population cohorts in the Genome Aggregation Database (gnomAD). As such, this alteration is interpreted as a disease-causing mutation.

Labcorp Genetics (formerly Invitae), Labcorp
Classification: Pathogenic for Familial cancer of breast. Last evaluated: 2022-05-05. Review status: criteria provided, single submitter. Criteria: Invitae Variant Classification Sherloc (09022015). Collection method: clinical testing. Allele origin: germline.
Comment: For these reasons, this variant has been classified as Pathogenic. This variant has not been reported in the literature in individuals affected with PALB2-related conditions. This variant is not present in population databases (gnomAD no frequency). This sequence change creates a premature translational stop signal (p.Glu860*) in the PALB2 gene. It is expected to result in an absent or disrupted protein product. Loss-of-function variants in PALB2 are known to be pathogenic (PMID: 17200668, 17200671, 17200672, 24136930, 25099575).

Dr. Peter K. Rogan Lab, Western University
No classification provided (evidence only). Condition: Gastric cancer. Review status: no classification provided. Collection method: in vitro. Allele origin: not applicable. Functional consequence: retained intron. Not counted in ClinVar's aggregate classification.

Literature cited by the submitters: PubMed 17200668 (cited by Labcorp Genetics (formerly Invitae), Labcorp); PubMed 17200671 (cited by Labcorp Genetics (formerly Invitae), Labcorp); PubMed 17200672 (cited by Labcorp Genetics (formerly Invitae), Labcorp); PubMed 24136930 (cited by Labcorp Genetics (formerly Invitae), Labcorp); PubMed 25099575 (cited by Labcorp Genetics (formerly Invitae), Labcorp).